The following is an entry in ClinVar:

NM_001370298.3(FGD4):c.2666C>A (p.Ala889Asp)

Gene: FGD4 (FYVE, RhoGEF and PH domain containing 4; plus strand). Cytogenetic location: 12p11.21.
Variant type: single nucleotide variant.
Coding change: c.2666C>A on transcript NM_001370298.3 (MANE Select); coding-DNA position 2666, C replaced by A.
Protein change: p.Ala889Asp; replaces alanine 889 with aspartic acid.
Molecular consequence: missense variant. On other transcripts: intron variant (3).
Genome position (GRCh38, 1-based): chr12:32,640,487, C>A. VCF-style: chr12-32640487-C-A. GRCh37 (hg19) VCF-style: chr12-32793421-C-A.
Other names: c.2510C>A, p.Ala837Asp (NM_001304481.2); c.1223C>A, p.Ala408Asp (NM_001304484.2); c.1976C>A, p.Ala659Asp (NM_001330373.2, NM_001330374.2, NM_001384130.1); c.1703C>A, p.Ala568Asp (NM_001370297.1); c.2255C>A, p.Ala752Asp (NM_001385118.1, NM_139241.3); c.2632+34C>A (NM_001384126.1); c.2221+34C>A (NM_001384127.1, NM_001384128.1); short protein forms A837D, A659D, A889D, A408D, A568D, A752D.
Identifiers: ClinVar variation 1503239 (VCV001503239.8), dbSNP rs2137094596, ClinGen allele CA384372856.

ClinVar aggregate classification (germline): Uncertain significance (1 of 4 stars; one submission).

Conditions:
Charcot-Marie-Tooth disease type 4. Also called: Charcot-Marie-Tooth, Type 4; Charcot-Marie-Tooth disease, type IV. Identifiers: Orphanet 64749, MedGen C4082197, MONDO:0018995.

Submission:

Labcorp Genetics (formerly Invitae), Labcorp
Classification: Uncertain significance for Charcot-Marie-Tooth disease type 4. Last evaluated: 2022-08-03. Review status: criteria provided, single submitter. Criteria: Invitae Variant Classification Sherloc (09022015). Collection method: clinical testing. Allele origin: germline.
Comment: This variant is not present in population databases (gnomAD no frequency). This sequence change replaces alanine, which is neutral and non-polar, with aspartic acid, which is acidic and polar, at codon 752 of the FGD4 protein (p.Ala752Asp). This variant has not been reported in the literature in individuals affected with FGD4-related conditions. In summary, the available evidence is currently insufficient to determine the role of this variant in disease. Therefore, it has been classified as a Variant of Uncertain Significance. Algorithms developed to predict the effect of missense changes on protein structure and function output the following: SIFT: "Tolerated"; PolyPhen-2: "Benign"; Align-GVGD: "Class C0". The aspartic acid amino acid residue is found in multiple mammalian species, which suggests that this missense change does not adversely affect protein function. ClinVar contains an entry for this variant (Variation ID: 1503239).